The following is an entry in ClinVar:

NR_003137.3(RNU4-2):n.41C>G

Genes: RNU4-2 (RNA, U4 small nuclear 2; minus strand), SIRT4 (sirtuin 4; plus strand). Cytogenetic location: 12q24.23.
Variant type: single nucleotide variant.
Molecular consequence: non-coding transcript variant (on NR_003137.3).
Genome position: GRCh38 VCF-style: chr12-120291863-G-C. GRCh37 (hg19) VCF-style: chr12-120729666-G-C.
Identifiers: ClinVar variation 4795816 (VCV004795816.1).
Genomic context (GRCh38, chr12:120,291,863, plus strand): 5'-TTTCAAGTCGTCATGGCGGGGTATTGGGAAAAGTTTTCAATTAGCAATAATCGCGCCTCG[G>C]ATAAACCTCATTGGCTACGATACTGCCACTGCGCAAAGCTGGAAAGGTTCTGTTCGCGCC-3'

ClinVar aggregate classification (germline): Uncertain significance (1 of 4 stars; one submission).

Conditions:
Neurodevelopmental disorder with hypotonia, brain anomalies, distinctive facies, and absent language. Also called: ReNU SYNDROME; RNU4-2-Related Neurodevelopmental Disorder; RNU4-2–Related Autosomal Dominant Neurodevelopmental Disorder. Identifiers: Orphanet 686488, MedGen C5935628, MONDO:0971172, OMIM 620851.

gnomAD v4.1: 1 of 152,132 alleles (0.00066%); highest among the groups gnomAD compares: African/African-American, 0.0024%; no homozygotes.

Submission:

Centre for Population Genomics, CPG
Classification: Uncertain significance for RNU4-2-Related Neurodevelopmental Disorder. Last evaluated: 2026-02-11. Review status: criteria provided, single submitter. Criteria: Ellingford et al. (Genome Med. 2022). Collection method: research. Allele origin: germline. Inheritance: Autosomal recessive inheritance. Affected: yes. Observed: 2 variant alleles, 2 compound heterozygotes.
Comment: PM2_supp,PM1